The following is an entry in ClinVar:

NM_001110556.2(FLNA):c.7104G>A (p.Val2368=)

Gene: FLNA (filamin A; minus strand). Cytogenetic location: Xq28.
Variant type: single nucleotide variant.
Coding change: c.7104G>A on transcript NM_001110556.2 (MANE Select); coding-DNA position 7104, G replaced by A.
Protein change: p.Val2368=; no amino-acid change (valine 2368 retained).
Molecular consequence: synonymous variant.
Genome position (GRCh38, 1-based): chrX:154,350,961, C>T on the plus strand (G>A on the coding strand, the complement: FLNA is on the minus strand). VCF-style: chrX-154350961-C-T. GRCh37 (hg19) VCF-style: chrX-153579329-C-T.
Other names: c.7080G>A, p.Val2360= (NM_001456.4).
Identifiers: ClinVar variation 4882444 (VCV004882444.2).
Genomic context (GRCh38, chrX:154,350,961, plus strand): 5'-GGCCTCACCTTGGTCAATTTCTGTGACATAGCACTCCTCCAGGGCTCCTGAGGGGCTGTG[C>T]ACCTTGGCATCGATCGCCCCCTTGGCCCCGTTCAGGCTGACTGCAAAAGAGGCTGGCTGG-3'
Protein context (NP_001104026.1, residues 2358-2378): NGAKGAIDAK[Val2368=]HSPSGALEEC

ClinVar aggregate classification (germline): Uncertain significance (1 of 4 stars; one submission).

Submission:

Dasa
Classification: Uncertain significance. Last evaluated: 2026-02-24. Review status: criteria provided, single submitter. Criteria: DASA Assertion Criteria. Collection method: clinical testing. Allele origin: germline.
Comment: NM_001110556.2(FLNA):c.7104G>A (p.Val2368=) is a synonymous variant predicted not to alter the encoded amino acid sequence. This variant is rare in population databases. The currently available literature and clinical evidence are not sufficient to establish a definitive association between this variant and the reported condition. Therefore, this variant is classified as a variant of uncertain significance.